The following is an entry in ClinVar:

ClinVar aggregate classification (germline): Pathogenic/Likely pathogenic. Review status: criteria provided, multiple submitters, no conflicts (2 of 4 stars). 7 submissions from 7 submitters: Pathogenic (4); Likely pathogenic (3). Last evaluated 2026-09-01.

Conditions:
GRXCR1-related disorder. Also called: GRXCR1-related condition.
Autosomal recessive nonsyndromic hearing loss 25. Identifiers: Orphanet 90636, MedGen C1414017, MONDO:0013210, OMIM 613285.
GRXCR1-related disorders.

Allele frequency attached by ClinVar (database versions not stated): gnomAD 0.00001; ExAC 0.00002; TOPMed 0.00002; gnomAD exomes 0.00004.
gnomAD v4.1: 14 of 1,612,712 alleles (0.00087%); highest among the groups gnomAD compares: Admixed American, 0.022%; no homozygotes.

Submissions (7):

CeGaT Center for Human Genetics Tuebingen
Classification: Pathogenic. Last evaluated: 2026-09-01. Review status: criteria provided, single submitter. Criteria: CeGaT Center For Human Genetics Tuebingen Variant Classification Criteria Version 2. Collection method: clinical testing. Allele origin: germline. Affected: yes. Observed: 1 variant allele.
Comment: GRXCR1: PVS1, PM2

GeneDx
Classification: Pathogenic. Last evaluated: 2026-07-29. Review status: criteria provided, single submitter. Criteria: GeneDx Variant Classification Process June 2021. Collection method: clinical testing. Allele origin: germline.
Comment: Nonsense variant predicted to result in protein truncation or nonsense mediated decay in a gene for which loss of function is a known mechanism of disease; Has not been previously published as pathogenic or benign to our knowledge

PreventionGenetics, part of Exact Sciences
Classification: Likely pathogenic for GRXCR1-related condition. Last evaluated: 2025-05-23. Review status: criteria provided, single submitter. Criteria: ACMG Guidelines, 2015. Collection method: clinical testing. Allele origin: germline.
Comment: The GRXCR1 c.469G>T variant is predicted to result in premature protein termination (p.Glu157*). To our knowledge, this variant has not been reported in the literature. This variant is reported in 0.032% of alleles in individuals of Latino descent in gnomAD. Nonsense variants in GRXCR1 are expected to be pathogenic. This variant is interpreted as likely pathogenic.

Labcorp Genetics (formerly Invitae), Labcorp
Classification: Pathogenic. Last evaluated: 2025-04-21. Review status: criteria provided, single submitter. Criteria: Invitae Variant Classification Sherloc (09022015). Collection method: clinical testing. Allele origin: germline.
Comment: This sequence change creates a premature translational stop signal (p.Glu157*) in the GRXCR1 gene. It is expected to result in an absent or disrupted protein product. Loss-of-function variants in GRXCR1 are known to be pathogenic (PMID: 20137778, 26226137, 26969326). This variant is present in population databases (rs774844858, gnomAD 0.03%). This variant has not been reported in the literature in individuals affected with GRXCR1-related conditions. ClinVar contains an entry for this variant (Variation ID: 987829). For these reasons, this variant has been classified as Pathogenic.

Women's Health and Genetics/Laboratory Corporation of America, LabCorp
Classification: Likely pathogenic for Deafness, autosomal recessive 25. Last evaluated: 2020-11-18. Review status: criteria provided, single submitter. Criteria: LabCorp Variant Classification Summary - May 2015. Collection method: clinical testing. Allele origin: germline.
Comment: Variant summary: GRXCR1 c.469G>T (p.Glu157X) results in a premature termination codon, predicted to cause a truncation of the encoded protein or absence of the protein due to nonsense mediated decay, which are commonly known mechanisms for disease. The variant allele was found at a frequency of 4.4e-05 in 249152 control chromosomes. To our knowledge, no occurrence of c.469G>T in individuals affected with Deafness, Autosomal Recessive 25 and no experimental evidence demonstrating its impact on protein function have been reported. No clinical diagnostic laboratories have submitted clinical-significance assessments for this variant to ClinVar after 2014. Based on the evidence outlined above, the variant was classified as likely pathogenic.

Blueprint Genetics
Classification: Likely pathogenic for GRXCR1-related disorders. Last evaluated: 2020-02-27. Review status: criteria provided, single submitter. Criteria: ACMG Guidelines, 2015. Collection method: clinical testing. Allele origin: germline. Affected: yes. Observed: 1 variant allele.

Baylor Genetics
Classification: Pathogenic for Autosomal recessive nonsyndromic hearing loss 25. Last evaluated: 2019-01-21. Review status: criteria provided, single submitter. Criteria: ACMG Guidelines, 2015. Collection method: clinical testing. Allele origin: paternal. Affected: yes.
Comment: This variant was determined to be pathogenic according to ACMG Guidelines, 2015 [PMID:25741868].

Literature cited by the submitters: PubMed 20137778 (cited by Labcorp Genetics (formerly Invitae), Labcorp); PubMed 26226137 (cited by Labcorp Genetics (formerly Invitae), Labcorp); PubMed 26969326 (cited by Labcorp Genetics (formerly Invitae), Labcorp).

NM_001080476.3(GRXCR1):c.469G>T (p.Glu157Ter)

Gene: GRXCR1 (glutaredoxin and cysteine rich domain containing 1; plus strand). Cytogenetic location: 4p13.
Variant type: single nucleotide variant.
Coding change: c.469G>T on transcript NM_001080476.3 (MANE Select); coding-DNA position 469, G replaced by T.
Protein change: p.Glu157Ter; replaces glutamic acid 157 with a stop codon.
Molecular consequence: nonsense.
Genome position (GRCh38, 1-based): chr4:42,962,976, G>T. VCF-style: chr4-42962976-G-T. GRCh37 (hg19) VCF-style: chr4-42964993-G-T.
Other names: short protein forms E157*.
Identifiers: ClinVar variation 987829 (VCV000987829.12), dbSNP rs774844858, ClinGen allele CA2904415.